The following is an entry in ClinVar:

ClinVar aggregate classification (germline): Uncertain significance. Review status: criteria provided, multiple submitters, no conflicts (2 of 4 stars). 2 submissions from 2 submitters: Uncertain significance (2). Last evaluated 2025-11-12.

Conditions:
Inborn genetic diseases. Identifiers: MedGen C0950123, MeSH D030342.

Allele frequency attached by ClinVar (database versions not stated): ExAC 0.00001; gnomAD exomes 0.00001 and 0.00002.
gnomAD v4.1: 8 of 1,610,946 alleles (0.0005%); highest among the groups gnomAD compares: Admixed American, 0.0033%; no homozygotes.

Submissions (2):

Ambry Genetics
Classification: Uncertain significance for Inborn genetic diseases. Last evaluated: 2025-11-12. Review status: criteria provided, single submitter. Criteria: Ambry Variant Classification Scheme 2023. Collection method: clinical testing. Allele origin: germline.

Labcorp Genetics (formerly Invitae), Labcorp
Classification: Uncertain significance. Last evaluated: 2020-01-01. Review status: criteria provided, single submitter. Criteria: Invitae Variant Classification Sherloc (09022015). Collection method: clinical testing. Allele origin: germline.
Comment: This variant is present in population databases (rs760295753, ExAC 0.002%). In summary, the available evidence is currently insufficient to determine the role of this variant in disease. Therefore, it has been classified as a Variant of Uncertain Significance. Algorithms developed to predict the effect of missense changes on protein structure and function (SIFT, PolyPhen-2, Align-GVGD) all suggest that this variant is likely to be disruptive, but these predictions have not been confirmed by published functional studies and their clinical significance is uncertain. This variant has not been reported in the literature in individuals with KCNV2-related conditions. This sequence change replaces proline with leucine at codon 253 of the KCNV2 protein (p.Pro253Leu). The proline residue is highly conserved and there is a moderate physicochemical difference between proline and leucine.

NM_133497.4(KCNV2):c.758C>T (p.Pro253Leu)

Gene: KCNV2 (potassium voltage-gated channel modifier subfamily V member 2; plus strand). Cytogenetic location: 9p24.2.
Variant type: single nucleotide variant.
Coding change: c.758C>T on transcript NM_133497.4 (MANE Select); coding-DNA position 758, C replaced by T.
Protein change: p.Pro253Leu; replaces proline 253 with leucine.
Molecular consequence: missense variant.
Genome position (GRCh38, 1-based): chr9:2,718,497, C>T. VCF-style: chr9-2718497-C-T. GRCh37 (hg19) VCF-style: chr9-2718497-C-T.
Other names: c.758C>T (NM_133497.3); short protein forms P253L.
Identifiers: ClinVar variation 1009513 (VCV001009513.10), dbSNP rs760295753, ClinGen allele CA4965608.
Genomic context (GRCh38, chr9:2,718,497, plus strand): 5'-TCCGCGACATGCGCTTCTACGGCCCGCAGCGGCGCCGCCTCTGGAACCTCATGGAGAAGC[C>T]ATTCTCCTCGGTGGCCGCCAAGGCCATCGGGGTGGCCTCCAGCACCTTCGTGCTCGTCTC-3'
Protein context (NP_598004.1, residues 243-263): RRRLWNLMEK[Pro253Leu]FSSVAAKAIG